The following is an entry in ClinVar:

NM_000179.3(MSH6):c.3641A>T (p.Glu1214Val)

Gene: MSH6 (mutS homolog 6; plus strand). Cytogenetic location: 2p16.3.
Variant type: single nucleotide variant.
Coding change: c.3641A>T on transcript NM_000179.3 (MANE Select); coding-DNA position 3641, A replaced by T.
Protein change: p.Glu1214Val; replaces glutamic acid 1214 with valine.
Molecular consequence: missense variant.
Genome position (GRCh38, 1-based): chr2:47,805,702, A>T. VCF-style: chr2-47805702-A-T. GRCh37 (hg19) VCF-style: chr2-48032841-A-T.
Other names: c.3251A>T, p.Glu1084Val (NM_001281492.2); c.2735A>T, p.Glu912Val (NM_001281493.2, NM_001281494.2, NM_001406811.1 and 6 more transcripts); c.3737A>T, p.Glu1246Val (NM_001406795.1, NM_001406802.1); c.3641A>T, p.Glu1214Val (NM_001406796.1, NM_001406800.1, NM_001406808.1 and 1 more transcripts); c.3344A>T, p.Glu1115Val (NM_001406797.1, NM_001406801.1, NM_001406805.1 and 10 more transcripts); c.3467A>T, p.Glu1156Val (NM_001406798.1); c.3116A>T, p.Glu1039Val (NM_001406799.1, NM_001406806.1, NM_001406807.1); c.2777A>T, p.Glu926Val (NM_001406803.1); and 7 more; short protein forms E1188V, E529V, E692V, E1039V, E1214V, E1246V, E141V, E912V.
Identifiers: ClinVar variation 1810678 (VCV001810678.1), dbSNP rs63750914, ClinGen allele CA346760625.

ClinVar aggregate classification (germline): Uncertain significance (1 of 4 stars; one submission).

Submission:

GeneDx
Classification: Uncertain significance. Last evaluated: 2022-07-05. Review status: criteria provided, single submitter. Criteria: GeneDx Variant Classification Process June 2021. Collection method: clinical testing. Allele origin: germline. Affected: yes.
Comment: Not observed at significant frequency in large population cohorts (gnomAD); In silico analysis supports that this missense variant has a deleterious effect on protein structure/function; Has not been previously published as pathogenic or benign to our knowledge; This variant is associated with the following publications: (PMID: 17531815, 21120944, 12019211)